The following is an entry in ClinVar:

NM_183075.2(CYP2U1):c.-204C>A

Genes: CYP2U1 (cytochrome P450 family 2 subfamily U member 1; plus strand), CYP2U1-AS1 (CYP2U1 and SGMS2 antisense RNA 1; minus strand). Cytogenetic location: 4q25.
Variant type: single nucleotide variant.
Coding change: c.-204C>A on transcript NM_183075.2; 204 bases upstream of the start codon, C replaced by A.
Genome position (GRCh38, 1-based): chr4:107,931,440, C>A. VCF-style: chr4-107931440-C-A. GRCh37 (hg19) VCF-style: chr4-108852596-C-A.
Identifiers: ClinVar variation 672419 (VCV000672419.3), dbSNP rs1493127, ClinGen allele CA102859337.

ClinVar aggregate classification (germline): Likely benign (1 of 4 stars; one submission).

Allele frequency attached by ClinVar (database versions not stated): TOPMed 0.01299; 1000 Genomes Project 0.00759; 1000 Genomes Project 30x 0.00781; gnomAD 0.01373 and 0.01343; gnomAD exomes 0.01788.

Submission:

GeneDx
Classification: Likely benign. Last evaluated: 2018-06-16. Review status: criteria provided, single submitter. Criteria: GeneDx Variant Classification (06012015). Collection method: clinical testing. Allele origin: germline. Affected: yes.
Comment: This variant is considered likely benign or benign based on one or more of the following criteria: it is a conservative change, it occurs at a poorly conserved position in the protein, it is predicted to be benign by multiple in silico algorithms, and/or has population frequency not consistent with disease.